The following is an entry in ClinVar:

ClinVar aggregate classification (germline): Likely pathogenic (1 of 4 stars; one submission).

Conditions:
X-linked agammaglobulinemia with growth hormone deficiency (IGHD3). Also called: AGAMMAGLOBULINEMIA AND ISOLATED GROWTH HORMONE DEFICIENCY, X-LINKED; HYPOGAMMAGLOBULINEMIA AND ISOLATED GROWTH HORMONE DEFICIENCY, X-LINKED; IGHD III; Isolated growth hormone deficiency type 3; Growth hormone deficiency with hypogammaglobulinemia; ISOLATED GROWTH HORMONE DEFICIENCY, TYPE III, WITH AGAMMAGLOBULINEMIA. Identifiers: Orphanet 231692, Orphanet 631, MedGen C0472813, MONDO:0010615, OMIM 307200.

Submission:

Baylor Genetics
Classification: Likely pathogenic for X-linked agammaglobulinemia with growth hormone deficiency. Last evaluated: 2018-07-05. Review status: criteria provided, single submitter. Criteria: ACMG Guidelines, 2015. Collection method: clinical testing. Allele origin: de novo. Affected: yes.
Comment: This variant was determined to be likely pathogenic according to ACMG Guidelines, 2015 [PMID:25741868].

NM_000061.3(BTK):c.134_139del (p.Glu45_Arg46del)

Gene: BTK (Bruton tyrosine kinase; minus strand). Cytogenetic location: Xq22.1.
Variant type: Deletion.
Coding change: c.134_139del on transcript NM_000061.3 (MANE Select); coding-DNA positions 134 to 139, 6 bases deleted (AACGTG; older notation c.134_139delAACGTG).
Protein change: p.Glu45_Arg46del.
Molecular consequence: inframe deletion.
Genome position (GRCh38, 1-based): chrX:101,375,146-101,375,151, CACGTT deleted on the plus strand (AACGTG on the coding strand, the reverse complement: BTK is on the minus strand); deleting any 6 consecutive bases within chrX:101,375,146-101,375,153 gives the same sequence; the c. name uses the placement nearest the transcript's 3' end. VCF-style (leftmost placement, unchanged base first): chrX-101375145-CCACGTT-C. GRCh37 (hg19) VCF-style: chrX-100630133-CCACGTT-C.
Other names: c.236_241del, p.Glu79_Arg80del (NM_001287344.2); c.134_139del, p.Glu45_Arg46del (NM_001287345.2).
Identifiers: ClinVar variation 1032159 (VCV001032159.1), dbSNP rs1927166327, ClinGen allele CA2448289877.